The following is an entry in ClinVar:

ClinVar aggregate classification (germline): Uncertain significance (1 of 4 stars; one submission).

Conditions:
Hereditary breast ovarian cancer syndrome. Also called: Hereditary breast and/or ovarian cancer syndrome; Hereditary breast and ovarian cancer syndrome; Hereditary breast and ovarian cancer syndrome (HBOC); Breast and ovarian cancer; Hereditary breast and ovarian cancer; BRCA1- and BRCA2-Associated Hereditary Breast and Ovarian Cancer. Identifiers: Orphanet 145, MedGen C0677776, MeSH D061325, MONDO:0003582. Disease mechanism: loss of function.

Submission:

Labcorp Genetics (formerly Invitae), Labcorp
Classification: Uncertain significance for Hereditary breast ovarian cancer syndrome. Last evaluated: 2020-08-15. Review status: criteria provided, single submitter. Criteria: Invitae Variant Classification Sherloc (09022015). Collection method: clinical testing. Allele origin: germline.
Comment: In summary, the available evidence is currently insufficient to determine the role of this variant in disease. Therefore, it has been classified as a Variant of Uncertain Significance. Experimental studies and prediction algorithms are not available or were not evaluated, and the functional significance of this variant is currently unknown. This variant has not been reported in the literature in individuals with BRCA2-related conditions. This variant is not present in population databases (ExAC no frequency). This variant, c.4207_4209del, results in the deletion of 1 amino acid(s) of the BRCA2 protein (p.Thr1403del), but otherwise preserves the integrity of the reading frame.

NM_000059.4(BRCA2):c.4207_4209del (p.Thr1403del)

Gene: BRCA2 (BRCA2 DNA repair associated; plus strand). Cytogenetic location: 13q13.1.
Variant type: Deletion.
Coding change: c.4207_4209del on transcript NM_000059.4 (MANE Select); coding-DNA positions 4207 to 4209, 3 bases deleted (ACT; older notation c.4207_4209delACT).
Protein change: p.Thr1403del; deletes threonine 1403.
Molecular consequence: inframe deletion.
Genome position (GRCh38, 1-based): chr13:32,338,562-32,338,564, ACT deleted; deleting any 3 consecutive bases within chr13:32,338,561-32,338,564 gives the same sequence; the c. name uses the placement nearest the transcript's 3' end. VCF-style (leftmost placement, unchanged base first): chr13-32338560-ATAC-A. GRCh37 (hg19) VCF-style: chr13-32912697-ATAC-A.
Other names: short protein forms T1403del.
Identifiers: ClinVar variation 1057549 (VCV001057549.9), dbSNP rs2137503972, ClinGen allele CA2499222157.